The following is an entry in ClinVar:

NM_000017.4(ACADS):c.578C>T (p.Ser193Leu)

Gene: ACADS (acyl-CoA dehydrogenase short chain; plus strand). Cytogenetic location: 12q24.31.
Variant type: single nucleotide variant.
Coding change: c.578C>T on transcript NM_000017.4 (MANE Select); coding-DNA position 578, C replaced by T.
Protein change: p.Ser193Leu; replaces serine 193 with leucine.
Molecular consequence: missense variant. On other transcripts: intron variant (1).
Genome position (GRCh38, 1-based): chr12:120,737,942, C>T. VCF-style: chr12-120737942-C-T. GRCh37 (hg19) VCF-style: chr12-121175745-C-T.
Other names: c.473-107C>T (NM_001302554.2); short protein forms S193L.
Identifiers: ClinVar variation 880760 (VCV000880760.12), dbSNP rs369167716, ClinGen allele CA6830934.

ClinVar aggregate classification (germline): Conflicting classifications of pathogenicity. Review status: criteria provided, conflicting classifications (1 of 4 stars). 3 submissions from 3 submitters: Likely pathogenic (1); Uncertain significance (2). Last evaluated 2023-09-11.

Conditions:
Deficiency of butyryl-CoA dehydrogenase (ACADSD). Also called: SCAD DEFICIENCY, MILD; ACADS DEFICIENCY; Short-Chain Acyl-CoA Dehydrogenase Deficiency; ACYL-CoA DEHYDROGENASE, SHORT-CHAIN, DEFICIENCY OF; SCADH DEFICIENCY; SCAD Deficiency. Identifiers: Orphanet 26792, MedGen C0342783, MONDO:0008722, OMIM 201470. Disease mechanism: May be benign.

Allele frequency attached by ClinVar (database versions not stated): gnomAD 0.00001; TOPMed 0.00001; ExAC 0.00002; ESP Exome Variant Server 0.00008.

Submissions (3):

Labcorp Genetics (formerly Invitae), Labcorp
Classification: Likely pathogenic for Deficiency of butyryl-CoA dehydrogenase. Last evaluated: 2023-09-11. Review status: criteria provided, single submitter. Criteria: Invitae Variant Classification Sherloc (09022015). Collection method: clinical testing. Allele origin: germline.
Comment: This missense change has been observed in individual(s) with ACADS-related conditions (PMID: 33391346, 35095998). In at least one individual the data is consistent with being in trans (on the opposite chromosome) from a pathogenic variant. ClinVar contains an entry for this variant (Variation ID: 880760). Advanced modeling of protein sequence and biophysical properties (such as structural, functional, and spatial information, amino acid conservation, physicochemical variation, residue mobility, and thermodynamic stability) performed at Invitae indicates that this missense variant is not expected to disrupt ACADS protein function. In summary, the currently available evidence indicates that the variant is pathogenic, but additional data are needed to prove that conclusively. Therefore, this variant has been classified as Likely Pathogenic. This variant is present in population databases (rs369167716, gnomAD 0.004%). This sequence change replaces serine, which is neutral and polar, with leucine, which is neutral and non-polar, at codon 193 of the ACADS protein (p.Ser193Leu).

Fulgent Genetics
Classification: Uncertain significance for Deficiency of butyryl-CoA dehydrogenase. Last evaluated: 2021-11-10. Review status: criteria provided, single submitter. Criteria: ACMG Guidelines, 2015. Collection method: clinical testing. Allele origin: unknown.

Illumina Laboratory Services, Illumina
Classification: Uncertain significance for Deficiency of butyryl-CoA dehydrogenase. Last evaluated: 2018-01-12. Review status: criteria provided, single submitter. Criteria: ICSL Variant Classification Criteria 13 December 2019. Collection method: clinical testing. Allele origin: germline.

Literature cited by the submitters: PubMed 33391346 (cited by Labcorp Genetics (formerly Invitae), Labcorp); PubMed 35095998 (cited by Labcorp Genetics (formerly Invitae), Labcorp).